The following is an entry in ClinVar:

ClinVar aggregate classification (germline): Pathogenic/Likely pathogenic. Review status: criteria provided, multiple submitters, no conflicts (2 of 4 stars). 4 submissions from 4 submitters: Pathogenic (1); Likely pathogenic (2). 1 of the submissions does not count toward it. Last evaluated 2025-04-02.

Conditions:
ANK1-related disorder. Also called: ANK1-related condition.
Hereditary spherocytosis type 1. Also called: Spherocytosis type 1; ANK1-Related Spherocytosis. Identifiers: Orphanet 822, MedGen C2674218, MONDO:0008447, OMIM 182900.

Submissions (4):

Labcorp Genetics (formerly Invitae), Labcorp
Classification: Likely pathogenic. Last evaluated: 2025-04-02. Review status: criteria provided, single submitter. Criteria: Invitae Variant Classification Sherloc (09022015). Collection method: clinical testing. Allele origin: germline.
Comment: This sequence change affects a donor splice site in intron 32 of the ANK1 gene. It is expected to disrupt RNA splicing. Variants that disrupt the donor or acceptor splice site typically lead to a loss of protein function (PMID: 16199547), and loss-of-function variants in ANK1 are known to be pathogenic (PMID: 8640229). This variant is not present in population databases (gnomAD no frequency). This variant has not been reported in the literature in individuals affected with ANK1-related conditions. ClinVar contains an entry for this variant (Variation ID: 994042). Algorithms developed to predict the effect of sequence changes on RNA splicing suggest that this variant may disrupt the consensus splice site. In summary, the currently available evidence indicates that the variant is pathogenic, but additional data are needed to prove that conclusively. Therefore, this variant has been classified as Likely Pathogenic.

Mayo Clinic Laboratories, Mayo Clinic
Classification: Likely pathogenic. Last evaluated: 2023-08-10. Review status: criteria provided, single submitter. Criteria: ACMG Guidelines, 2015. Collection method: clinical testing. Allele origin: germline. Observed: 1 variant allele.
Comment: PM2_moderate, PVS1_strong

ARUP Laboratories, Molecular Genetics and Genomics, ARUP Laboratories
Classification: Pathogenic for Hereditary spherocytosis type 1. Last evaluated: 2019-09-25. Review status: criteria provided, single submitter. Criteria: ARUP Molecular Germline Variant Investigation Process. Collection method: clinical testing. Allele origin: germline.

PreventionGenetics, part of Exact Sciences
Classification: Pathogenic for ANK1-related condition. Last evaluated: 2024-09-05. Review status: no assertion criteria provided. Collection method: clinical testing. Allele origin: germline. Not counted in ClinVar's aggregate classification.
Comment: The ANK1 c.3984+2T>C variant is predicted to disrupt the GT donor site and interfere with normal splicing. To our knowledge, this variant has not been reported in the literature or in a large population database, indicating this variant is rare. Variants that disrupt the consensus splice donor site in ANK1 are expected to be pathogenic. This variant is interpreted as pathogenic.

Literature cited by the submitters: PubMed 16199547 (cited by Labcorp Genetics (formerly Invitae), Labcorp); PubMed 8640229 (cited by Labcorp Genetics (formerly Invitae), Labcorp).

NM_000037.4(ANK1):c.3984+2T>C

Gene: ANK1 (ankyrin 1; minus strand). Cytogenetic location: 8p11.21.
Variant type: single nucleotide variant.
Coding change: c.3984+2T>C on transcript NM_000037.4 (MANE Select); the canonical splice donor site of the intron after coding-DNA position 3984, T replaced by C.
Molecular consequence: splice donor variant.
Genome position (GRCh38, 1-based): chr8:41,690,472, A>G on the plus strand (T>C on the coding strand, the complement: ANK1 is on the minus strand). VCF-style: chr8-41690472-A-G. GRCh37 (hg19) VCF-style: chr8-41547990-A-G.
Other names: p.?; c.3984+2T>C (NM_020476.2, NM_020477.3, NM_020475.3 and 1 more transcripts); c.4107+2T>C (NM_001142446.2).
Identifiers: ClinVar variation 994042 (VCV000994042.14), dbSNP rs1818974494, ClinGen allele CA371058219.
Genomic context (GRCh38, chr8:41,690,472, plus strand): 5'-GGGAATTCTGCCTCCCCAACTTTCTAGACCCAGAGGAGAACTCAGCCAGAGGGTGCCGGC[A>G]CCTTTACAGGCATGGCCAGACGGTTCTCCCGAAATGACTGGAAGTGGAAGCTCCGCTGCT-3'